The following is an entry in ClinVar:

NM_025132.4(WDR19):c.2908G>A (p.Ala970Thr)

Gene: WDR19 (WD repeat domain 19; plus strand). Cytogenetic location: 4p14.
Variant type: single nucleotide variant.
Coding change: c.2908G>A on transcript NM_025132.4 (MANE Select); coding-DNA position 2908, G replaced by A.
Protein change: p.Ala970Thr; replaces alanine 970 with threonine.
Molecular consequence: missense variant.
Genome position (GRCh38, 1-based): chr4:39,253,937, G>A. VCF-style: chr4-39253937-G-A. GRCh37 (hg19) VCF-style: chr4-39255557-G-A.
Other names: c.2428G>A, p.Ala810Thr (NM_001317924.2); short protein forms A970T, A810T.
Identifiers: ClinVar variation 1381216 (VCV001381216.8), dbSNP rs1733506402, ClinGen allele CA356641781.

ClinVar aggregate classification (germline): Uncertain significance (1 of 4 stars; one submission).

Conditions:
Asphyxiating thoracic dystrophy 5 (SRTD5). Also called: SHORT-RIB THORACIC DYSPLASIA 5 WITH OR WITHOUT POLYDACTYLY; SHORT-RIB THORACIC DYSPLASIA 5 WITHOUT POLYDACTYLY. Identifiers: Orphanet 474, MedGen C3280598, MONDO:0013717, OMIM 614376.
Senior-Loken syndrome 8 (SLSN8). Identifiers: Orphanet 3156, MedGen C4225376, MONDO:0014579, OMIM 616307.

Allele frequency attached by ClinVar (database versions not stated): gnomAD exomes below 0.00001; TOPMed below 0.00001; gnomAD 0.00001.
gnomAD v4.1: 2 of 1,608,920 alleles (0.00012%); highest among the groups gnomAD compares: Non-Finnish European, 0.00017%; no homozygotes.

Submission:

Labcorp Genetics (formerly Invitae), Labcorp
Classification: Uncertain significance for Senior-Loken syndrome 8; Asphyxiating thoracic dystrophy 5. Last evaluated: 2021-04-03. Review status: criteria provided, single submitter. Criteria: Invitae Variant Classification Sherloc (09022015). Collection method: clinical testing. Allele origin: germline.
Comment: In summary, the available evidence is currently insufficient to determine the role of this variant in disease. Therefore, it has been classified as a Variant of Uncertain Significance. Algorithms developed to predict the effect of missense changes on protein structure and function (SIFT, PolyPhen-2, Align-GVGD) all suggest that this variant is likely to be disruptive, but these predictions have not been confirmed by published functional studies and their clinical significance is uncertain. This variant has not been reported in the literature in individuals with WDR19-related conditions. This variant is not present in population databases (ExAC no frequency). This sequence change replaces alanine with threonine at codon 970 of the WDR19 protein (p.Ala970Thr). The alanine residue is highly conserved and there is a small physicochemical difference between alanine and threonine.